The following is an entry in ClinVar:

NM_003062.4(SLIT3):c.4080C>T (p.Thr1360=)

Gene: SLIT3 (slit guidance ligand 3; minus strand). Cytogenetic location: 5q34.
Variant type: single nucleotide variant.
Coding change: c.4080C>T on transcript NM_003062.4 (MANE Select); coding-DNA position 4080, C replaced by T.
Protein change: p.Thr1360=; no amino-acid change (threonine 1360 retained).
Molecular consequence: synonymous variant.
Genome position (GRCh38, 1-based): chr5:168,671,245, G>A on the plus strand (C>T on the coding strand, the complement: SLIT3 is on the minus strand). VCF-style: chr5-168671245-G-A. GRCh37 (hg19) VCF-style: chr5-168098250-G-A.
Other names: c.4101C>T, p.Thr1367= (NM_001271946.2).
Identifiers: ClinVar variation 710326 (VCV000710326.27), dbSNP rs150953871, ClinGen allele CA3550742.

ClinVar aggregate classification (germline): Benign/Likely benign. Review status: criteria provided, multiple submitters, no conflicts (2 of 4 stars). 2 submissions from 2 submitters: Benign (1); Likely benign (1). Last evaluated 2024-10-01.

Allele frequency attached by ClinVar (database versions not stated): 1000 Genomes Project 0.00140; 1000 Genomes Project 30x 0.00156; gnomAD 0.00222 and 0.00223; TOPMed 0.00229; ESP Exome Variant Server 0.00238; gnomAD exomes 0.00274 and 0.00284; ExAC 0.00294.
gnomAD v4.1: 4,532 of 1,612,782 alleles (0.28%); highest among the groups gnomAD compares: Middle Eastern, 1.2%; 16 homozygotes.

Submissions (2):

CeGaT Center for Human Genetics Tuebingen
Classification: Likely benign. Last evaluated: 2024-10-01. Review status: criteria provided, single submitter. Criteria: CeGaT Center For Human Genetics Tuebingen Variant Classification Criteria Version 2. Collection method: clinical testing. Allele origin: germline. Affected: yes. Observed: 7 variant alleles.
Comment: SLIT3: BP4, BP7

Labcorp Genetics (formerly Invitae), Labcorp
Classification: Benign. Last evaluated: 2019-01-02. Review status: criteria provided, single submitter. Criteria: Invitae Variant Classification Sherloc (09022015). Collection method: clinical testing. Allele origin: germline.